The following is an entry in ClinVar:

ClinVar aggregate classification (germline): Uncertain significance (1 of 4 stars; one submission).

Submission:

Mayo Clinic Laboratories, Mayo Clinic
Classification: Uncertain significance. Last evaluated: 2024-04-26. Review status: criteria provided, single submitter. Criteria: ACMG Guidelines, 2015. Collection method: clinical testing. Allele origin: germline. Observed: 1 variant allele.
Comment: PM2

NM_000276.4(OCRL):c.12_13delinsTA (p.Leu5Ile)

Genes: OCRL (OCRL inositol polyphosphate-5-phosphatase; plus strand), LOC113875008 (Sharpr-MPRA regulatory region 13828; plus strand). Cytogenetic location: Xq26.1.
Variant type: Indel.
Coding change: c.12_13delinsTA on transcript NM_000276.4 (MANE Select); coding-DNA positions 12 to 13, GC replaced by TA.
Protein change: p.Leu5Ile; replaces leucine 5 with isoleucine.
Molecular consequence: missense variant.
Genome position (GRCh38, 1-based): chrX:129,540,451-129,540,452, GC replaced by TA. VCF-style: chrX-129540451-GC-TA. GRCh37 (hg19) VCF-style: chrX-128674428-GC-TA.
Other names: p.Leu5Ile; c.12_13delinsTA, p.Leu5Ile (NM_001318784.2, NM_001587.4); short protein forms L5I.
Identifiers: ClinVar variation 3380753 (VCV003380753.1).